The following is an entry in ClinVar:

ClinVar aggregate classification (germline): Benign. Review status: criteria provided, single submitter (1 of 4 stars). 2 submissions from 2 submitters: Benign (1). 1 of the submissions does not count toward it. Last evaluated 2025-11-29.

Conditions:
ATP2B4-related disorder. Also called: ATP2B4-related condition.

Allele frequency attached by ClinVar (database versions not stated): gnomAD exomes 0.00025; ExAC 0.00028; 1000 Genomes Project 30x 0.00062; 1000 Genomes Project 0.00080; ESP Exome Variant Server 0.00092; gnomAD 0.00103 and 0.00107; TOPMed 0.00145.
gnomAD v4.1: 390 of 1,614,178 alleles (0.024%); highest among the groups gnomAD compares: African/African-American, 0.41%; 2 homozygotes.

Submissions (2):

Labcorp Genetics (formerly Invitae), Labcorp
Classification: Benign. Last evaluated: 2025-11-29. Review status: criteria provided, single submitter. Criteria: Invitae Variant Classification Sherloc (09022015). Collection method: clinical testing. Allele origin: germline.

PreventionGenetics, part of Exact Sciences
Classification: Likely benign for ATP2B4-related condition. Last evaluated: 2019-04-04. Review status: no assertion criteria provided. Collection method: clinical testing. Allele origin: germline. Not counted in ClinVar's aggregate classification.
Comment: This variant is classified as likely benign based on ACMG/AMP sequence variant interpretation guidelines (Richards et al. 2015 PMID: 25741868, with internal and published modifications).

NM_001684.5(ATP2B4):c.1605C>T (p.Thr535=)

Gene: ATP2B4 (ATPase plasma membrane Ca2+ transporting 4; plus strand). Cytogenetic location: 1q32.1.
Variant type: single nucleotide variant.
Coding change: c.1605C>T on transcript NM_001684.5 (MANE Select); coding-DNA position 1605, C replaced by T.
Protein change: p.Thr535=; no amino-acid change (threonine 535 retained).
Molecular consequence: synonymous variant.
Genome position (GRCh38, 1-based): chr1:203,709,348, C>T. VCF-style: chr1-203709348-C-T. GRCh37 (hg19) VCF-style: chr1-203678476-C-T.
Other names: c.1605C>T, p.Thr535= (NM_001001396.3, NM_001365783.2, NM_001365784.2); c.1605C>T (NM_001001396.2).
Identifiers: ClinVar variation 1606963 (VCV001606963.10), dbSNP rs113580712, ClinGen allele CA1341657.